The following is an entry in ClinVar:

NM_024408.4(NOTCH2):c.1798A>G (p.Met600Val)

Gene: NOTCH2 (notch receptor 2; minus strand). Cytogenetic location: 1p12.
Variant type: single nucleotide variant.
Coding change: c.1798A>G on transcript NM_024408.4 (MANE Select); coding-DNA position 1798, A replaced by G.
Protein change: p.Met600Val; replaces methionine 600 with valine.
Molecular consequence: missense variant.
Genome position (GRCh38, 1-based): chr1:119,963,691, T>C on the plus strand (A>G on the coding strand, the complement: NOTCH2 is on the minus strand). VCF-style: chr1-119963691-T-C. GRCh37 (hg19) VCF-style: chr1-120506314-T-C.
Other names: c.1798A>G, p.Met600Val (NM_001200001.2); short protein forms M600V.
Identifiers: ClinVar variation 2054979 (VCV002054979.4), dbSNP rs782098926, ClinGen allele CA1040453.

ClinVar aggregate classification (germline): Uncertain significance (1 of 4 stars; one submission).

Conditions:
Hajdu-Cheney syndrome (HJCYS). Also called: SERPENTINE FIBULA-POLYCYSTIC KIDNEY SYNDROME; ACROOSTEOLYSIS WITH OSTEOPOROSIS AND CHANGES IN SKULL AND MANDIBLE; Acroosteolysis dominant type. Identifiers: Orphanet 955, MedGen C0917715, MONDO:0007057, OMIM 102500.

Allele frequency attached by ClinVar (database versions not stated): TOPMed below 0.00001; gnomAD exomes 0.00001; ExAC 0.00004; gnomAD 0.00001.
gnomAD v4.1: 16 of 1,614,024 alleles (0.00099%); highest among the groups gnomAD compares: East Asian, 0.0022%; no homozygotes.

Submission:

Labcorp Genetics (formerly Invitae), Labcorp
Classification: Uncertain significance for Hajdu-Cheney syndrome. Last evaluated: 2023-10-05. Review status: criteria provided, single submitter. Criteria: Invitae Variant Classification Sherloc (09022015). Collection method: clinical testing. Allele origin: germline.
Comment: This sequence change replaces methionine, which is neutral and non-polar, with valine, which is neutral and non-polar, at codon 600 of the NOTCH2 protein (p.Met600Val). This variant is present in population databases (rs782098926, gnomAD 0.004%). This variant has not been reported in the literature in individuals affected with NOTCH2-related conditions. ClinVar contains an entry for this variant (Variation ID: 2054979). Advanced modeling of protein sequence and biophysical properties (such as structural, functional, and spatial information, amino acid conservation, physicochemical variation, residue mobility, and thermodynamic stability) performed at Invitae indicates that this missense variant is not expected to disrupt NOTCH2 protein function. In summary, the available evidence is currently insufficient to determine the role of this variant in disease. Therefore, it has been classified as a Variant of Uncertain Significance.